The following is an entry in ClinVar:

NM_000400.4(ERCC2):c.1208T>A (p.Phe403Tyr)

Gene: ERCC2 (ERCC excision repair 2, TFIIH core complex helicase subunit; minus strand). Cytogenetic location: 19q13.32.
Variant type: single nucleotide variant.
Coding change: c.1208T>A on transcript NM_000400.4 (MANE Select); coding-DNA position 1208, T replaced by A.
Protein change: p.Phe403Tyr; replaces phenylalanine 403 with tyrosine.
Molecular consequence: missense variant.
Genome position (GRCh38, 1-based): chr19:45,361,553, A>T on the plus strand (T>A on the coding strand, the complement: ERCC2 is on the minus strand). VCF-style: chr19-45361553-A-T. GRCh37 (hg19) VCF-style: chr19-45864811-A-T.
Other names: c.1136T>A, p.Phe379Tyr (NM_001130867.2); short protein forms F403Y, F379Y.
Identifiers: ClinVar variation 1749349 (VCV001749349.2), dbSNP rs892115162, ClinGen allele CA406369860.

ClinVar aggregate classification (germline): Uncertain significance (1 of 4 stars; one submission).

Conditions:
Inborn genetic diseases. Identifiers: MedGen C0950123, MeSH D030342.

Allele frequency attached by ClinVar (database versions not stated): gnomAD 0.00001.
gnomAD v4.1: 1 of 1,613,730 alleles (0.000062%); highest among the groups gnomAD compares: African/African-American, 0.0013%; no homozygotes.

Submission:

Ambry Genetics
Classification: Uncertain significance for Inborn genetic diseases. Last evaluated: 2021-09-01. Review status: criteria provided, single submitter. Criteria: Ambry Variant Classification Scheme 2023. Collection method: clinical testing. Allele origin: germline.
Comment: The p.F403Y variant (also known as c.1208T>A), located in coding exon 12 of the ERCC2 gene, results from a T to A substitution at nucleotide position 1208. The phenylalanine at codon 403 is replaced by tyrosine, an amino acid with highly similar properties. This amino acid position is conserved. In addition, the in silico prediction for this alteration is inconclusive. Since supporting evidence is limited at this time, the clinical significance of this alteration remains unclear.